The following is an entry in ClinVar:

ClinVar aggregate classification (germline): Uncertain significance (1 of 4 stars; one submission).

Conditions:
Hereditary cancer-predisposing syndrome. Also called: Hereditary neoplastic syndrome; Tumor predisposition; Hereditary Cancer Syndrome; Neoplastic Syndromes, Hereditary. Identifiers: Orphanet 140162, MedGen C0027672, MeSH D009386, MONDO:0015356.

Submission:

Ambry Genetics
Classification: Uncertain significance for Hereditary cancer-predisposing syndrome. Last evaluated: 2023-07-15. Review status: criteria provided, single submitter. Criteria: Ambry Variant Classification Scheme 2023. Collection method: clinical testing. Allele origin: germline.
Comment: The p.T344S variant (also known as c.1031C>G), located in coding exon 10 of the FANCC gene, results from a C to G substitution at nucleotide position 1031. The threonine at codon 344 is replaced by serine, an amino acid with similar properties. This amino acid position is conserved. In addition, this alteration is predicted to be tolerated by in silico analysis. Since supporting evidence is limited at this time, the clinical significance of this alteration remains unclear.

NM_000136.3(FANCC):c.1031C>G (p.Thr344Ser)

Genes: AOPEP (aminopeptidase O (putative); plus strand), FANCC (FA complementation group C; minus strand). Cytogenetic location: 9q22.32.
Variant type: single nucleotide variant.
Coding change: c.1031C>G on transcript NM_000136.3 (MANE Select); coding-DNA position 1031, C replaced by G.
Protein change: p.Thr344Ser; replaces threonine 344 with serine.
Molecular consequence: missense variant.
Genome position (GRCh38, 1-based): chr9:95,117,356, G>C on the plus strand (C>G on the coding strand, the complement: FANCC is on the minus strand). VCF-style: chr9-95117356-G-C. GRCh37 (hg19) VCF-style: chr9-97879638-G-C.
Other names: c.1031C>G, p.Thr344Ser (NM_001243743.2, NM_001243744.2); short protein forms T344S.
Identifiers: ClinVar variation 2585977 (VCV002585977.2), dbSNP rs2134693111, ClinGen allele CA374108170.